The following is an entry in ClinVar:

ClinVar aggregate classification (germline): Uncertain significance (1 of 4 stars; one submission).

Conditions:
Aortic aneurysm, familial thoracic 7 (AAT7). Also called: AORTIC DISSECTION, FAMILIAL, WITH OR WITHOUT AORTIC ANEURYSM. Identifiers: MedGen C3151077, MONDO:0013418, OMIM 613780.

Allele frequency attached by ClinVar (database versions not stated): ExAC 0.00001; gnomAD exomes 0.00001.
gnomAD v4.1: 13 of 1,614,152 alleles (0.00081%); highest among the groups gnomAD compares: South Asian, 0.011%; no homozygotes.

Submission:

Labcorp Genetics (formerly Invitae), Labcorp
Classification: Uncertain significance for Aortic aneurysm, familial thoracic 7. Last evaluated: 2022-08-19. Review status: criteria provided, single submitter. Criteria: Invitae Variant Classification Sherloc (09022015). Collection method: clinical testing. Allele origin: germline.
Comment: This variant is present in population databases (rs753402124, gnomAD 0.01%). This sequence change replaces alanine, which is neutral and non-polar, with threonine, which is neutral and polar, at codon 242 of the MYLK protein (p.Ala242Thr). This variant has not been reported in the literature in individuals affected with MYLK-related conditions. In summary, the available evidence is currently insufficient to determine the role of this variant in disease. Therefore, it has been classified as a Variant of Uncertain Significance. Advanced modeling of protein sequence and biophysical properties (such as structural, functional, and spatial information, amino acid conservation, physicochemical variation, residue mobility, and thermodynamic stability) performed at Invitae indicates that this missense variant is not expected to disrupt MYLK protein function.

NM_053025.4(MYLK):c.724G>A (p.Ala242Thr)

Gene: MYLK (myosin light chain kinase; minus strand). Cytogenetic location: 3q21.1.
Variant type: single nucleotide variant.
Coding change: c.724G>A on transcript NM_053025.4 (MANE Select); coding-DNA position 724, G replaced by A.
Protein change: p.Ala242Thr; replaces alanine 242 with threonine.
Molecular consequence: missense variant.
Genome position (GRCh38, 1-based): chr3:123,737,408, C>T on the plus strand (G>A on the coding strand, the complement: MYLK is on the minus strand). VCF-style: chr3-123737408-C-T. GRCh37 (hg19) VCF-style: chr3-123456255-C-T.
Other names: c.196G>A, p.Ala66Thr (NM_001321309.2); c.724G>A, p.Ala242Thr (NM_053026.4, NM_053027.4, NM_053028.4); short protein forms A66T, A242T.
Identifiers: ClinVar variation 2185333 (VCV002185333.4), dbSNP rs753402124, ClinGen allele CA073496.
Genomic context (GRCh38, chr3:123,737,408, plus strand): 5'-GTTCTGCACTAGCCGTCCACTGGTCGATACCTTGGATGGAAAGTTCAGCTGACATCGAGG[C>T]CTTCCCCGACCCGTTCACCACCAGGCACGTGTACACTCCCACGTCATCTTGGTTGACTCC-3'
Protein context (NP_444253.3, residues 232-252): TCLVVNGSGK[Ala242Thr]SMSAELSIQG